The following is an entry in ClinVar:

NM_004336.5(BUB1):c.1984C>T (p.Pro662Ser)

Gene: BUB1 (BUB1 mitotic checkpoint serine/threonine kinase; minus strand). Cytogenetic location: 2q13.
Variant type: single nucleotide variant.
Coding change: c.1984C>T on transcript NM_004336.5 (MANE Select); coding-DNA position 1984, C replaced by T.
Protein change: p.Pro662Ser; replaces proline 662 with serine.
Molecular consequence: missense variant.
Genome position (GRCh38, 1-based): chr2:110,650,765, G>A on the plus strand (C>T on the coding strand, the complement: BUB1 is on the minus strand). VCF-style: chr2-110650765-G-A. GRCh37 (hg19) VCF-style: chr2-111408342-G-A.
Other names: c.1924C>T, p.Pro642Ser (NM_001278616.2); c.1984C>T, p.Pro662Ser (NM_001278617.2); short protein forms P642S, P662S.
Identifiers: ClinVar variation 1783852 (VCV001783852.2), dbSNP rs2467991266, ClinGen allele CA348210147.
Genomic context (GRCh38, chr2:110,650,765, plus strand): 5'-CAGGCTGGCTCAGACGAAGTAAGGATGCTGAATACATGTGAGACGACAAGGCCTGTTTTG[G>A]GCTTTTCTCTTGAATTGGACTGGACGTGTGAAAGGAATAAAGAAACCAAAACACCACATG-3'
Protein context (NP_004327.1, residues 652-672): GKFSPIQEKS[Pro662Ser]KQALSSHMYS

ClinVar aggregate classification (germline): Uncertain significance (1 of 4 stars; one submission).

Submission:

Ambry Genetics
Classification: Uncertain significance. Last evaluated: 2021-10-14. Review status: criteria provided, single submitter. Criteria: Ambry Variant Classification Scheme 2023. Collection method: clinical testing. Allele origin: germline.
Comment: The p.P662S variant (also known as c.1984C>T), located in coding exon 18 of the BUB1 gene, results from a C to T substitution at nucleotide position 1984. The proline at codon 662 is replaced by serine, an amino acid with similar properties. This amino acid position is conserved. In addition, this alteration is predicted to be tolerated by in silico analysis. Since supporting evidence is limited at this time, the clinical significance of this alteration remains unclear.